The following is an entry in ClinVar:

ClinVar aggregate classification (germline): Pathogenic (1 of 4 stars; one submission).

Conditions:
Hereditary nonpolyposis colorectal neoplasms. Identifiers: MedGen C0009405, MeSH D003123.

Submission:

Labcorp Genetics (formerly Invitae), Labcorp
Classification: Pathogenic for Hereditary nonpolyposis colorectal neoplasms. Last evaluated: 2024-12-18. Review status: criteria provided, single submitter. Criteria: Invitae Variant Classification Sherloc (09022015). Collection method: clinical testing. Allele origin: germline.
Comment: This sequence change creates a premature translational stop signal (p.Cys653*) in the PMS2 gene. It is expected to result in an absent or disrupted protein product. Loss-of-function variants in PMS2 are known to be pathogenic (PMID: 21376568, 24362816). This variant is not present in population databases (gnomAD no frequency). This variant has not been reported in the literature in individuals affected with PMS2-related conditions. ClinVar contains an entry for this variant (Variation ID: 525739). For these reasons, this variant has been classified as Pathogenic.

Literature cited by the submitters: PubMed 21376568; PubMed 24362816.

NM_000535.7(PMS2):c.1959T>A (p.Cys653Ter)

Gene: PMS2 (PMS1 homolog 2, mismatch repair system component; minus strand). Cytogenetic location: 7p22.1.
Variant type: single nucleotide variant.
Coding change: c.1959T>A on transcript NM_000535.7 (MANE Select); coding-DNA position 1959, T replaced by A.
Protein change: p.Cys653Ter; replaces cysteine 653 with a stop codon.
Molecular consequence: nonsense. On other transcripts: non-coding transcript variant (1).
Genome position (GRCh38, 1-based): chr7:5,986,806, A>T on the plus strand (T>A on the coding strand, the complement: PMS2 is on the minus strand). VCF-style: chr7-5986806-A-T. GRCh37 (hg19) VCF-style: chr7-6026437-A-T.
Other names: c.1554T>A, p.Cys518Ter (NM_001322003.2, NM_001322004.2, NM_001322005.2 and 1 more transcripts); c.1803T>A, p.Cys601Ter (NM_001322006.2); c.1641T>A, p.Cys547Ter (NM_001322007.2, NM_001322008.2); c.1398T>A, p.Cys466Ter (NM_001322010.2); c.1026T>A, p.Cys342Ter (NM_001322011.2, NM_001322012.2); c.1386T>A, p.Cys462Ter (NM_001322013.2); c.1959T>A, p.Cys653Ter (NM_001322014.2); c.1650T>A, p.Cys550Ter (NM_001322015.2); short protein forms C653*, C466*, C518*, C342*, C462*, C547*, C550*, C601*.
Identifiers: ClinVar variation 525739 (VCV000525739.6), dbSNP rs1554297082, ClinGen allele CA366739075.